The following is an entry in ClinVar:

NM_001356.5(DDX3X):c.514_520dup (p.Asn174fs)

Gene: DDX3X (DEAD-box helicase 3 X-linked; plus strand). Cytogenetic location: Xp11.4.
Variant type: Microsatellite.
Coding change: c.514_520dup on transcript NM_001356.5 (MANE Select); coding-DNA positions 514 to 520, 7 bases duplicated (GGCAACA; older notation c.514_520dupGGCAACA).
Protein change: p.Asn174fs; shifts the reading frame from asparagine 174.
Molecular consequence: frameshift variant. On other transcripts: 5 prime UTR variant (1), non-coding transcript variant (1).
Genome position (GRCh38, 1-based): chrX:41,342,807-41,342,813, GGCAACA duplicated; duplicating any 7 consecutive bases within chrX:41,342,799-41,342,813 gives the same sequence; the c. name uses the placement nearest the transcript's 3' end. VCF-style (leftmost placement, unchanged base first): chrX-41342798-G-GAGGCAAC. GRCh37 (hg19) VCF-style: chrX-41202051-G-GAGGCAAC.
Other names: c.514_520dup, p.Asn174fs (NM_001193416.3); c.466_472dup, p.Asn158fs (NM_001193417.3); c.-52GGCAACA[3] (NM_001363819.1); short protein forms N158fs, N174fs.
Identifiers: ClinVar variation 1722373 (VCV001722373.1), dbSNP rs2519509534, ClinGen allele CA2580616999.

ClinVar aggregate classification (germline): Likely pathogenic (1 of 4 stars; one submission).

Conditions:
Intellectual disability, X-linked 102 (MRXSSB). Also called: Intellectual developmental disorder, X-linked syndromic, Snijders Blok type. Identifiers: Orphanet 457260, MedGen C5393299, MONDO:0010497, OMIM 300958.

Submission:

Women's Health and Genetics/Laboratory Corporation of America, LabCorp
Classification: Likely pathogenic for Intellectual disability, X-linked 102. Last evaluated: 2022-09-09. Review status: criteria provided, single submitter. Criteria: LabCorp Variant Classification Summary - May 2015. Collection method: clinical testing. Allele origin: germline.
Comment: Variant summary: DDX3X c.514_520dupGGCAACA (p.Asn174ArgfsX9) results in a premature termination codon, predicted to cause a truncation of the encoded protein or absence of the protein due to nonsense mediated decay, which are commonly known mechanisms for disease. Truncations downstream of this position have been classified as pathogenic by our laboratory. The variant was absent in 181879 control chromosomes (gnomAD). To our knowledge, no occurrence of c.514_520dupGGCAACA in individuals affected with X-Linked Intellectual Disability 102 and no experimental evidence demonstrating its impact on protein function have been reported. No clinical diagnostic laboratories have submitted clinical-significance assessments for this variant to ClinVar after 2014. Based on the evidence outlined above, the variant was classified as likely pathogenic.